The following is an entry in ClinVar:

NM_000038.6(APC):c.7409G>T (p.Arg2470Ile)

Gene: APC (APC regulator of Wnt signaling pathway; plus strand). Cytogenetic location: 5q22.2.
Variant type: single nucleotide variant.
Coding change: c.7409G>T on transcript NM_000038.6 (MANE Select); coding-DNA position 7409, G replaced by T.
Protein change: p.Arg2470Ile; replaces arginine 2470 with isoleucine.
Molecular consequence: missense variant.
Genome position (GRCh38, 1-based): chr5:112,843,003, G>T. VCF-style: chr5-112843003-G-T. GRCh37 (hg19) VCF-style: chr5-112178700-G-T.
Other names: c.7409G>T, p.Arg2470Ile (NM_001127510.3, NM_001354895.2, NM_001407450.1); c.7355G>T, p.Arg2452Ile (NM_001127511.3); c.7463G>T, p.Arg2488Ile (NM_001354896.2, NM_001407447.1, NM_001407448.1 and 1 more transcripts); c.7439G>T, p.Arg2480Ile (NM_001354897.2); c.7334G>T, p.Arg2445Ile (NM_001354898.2); c.7325G>T, p.Arg2442Ile (NM_001354899.2); c.7286G>T, p.Arg2429Ile (NM_001354900.2); c.7232G>T, p.Arg2411Ile (NM_001354901.2, NM_001407453.1); and 11 more; short protein forms R2310I, R2379I, R2452I, R2460I, R2344I, R2369I, R2429I, R2442I.
Identifiers: ClinVar variation 1758765 (VCV001758765.2), dbSNP rs2149986384, ClinGen allele CA16037459.
Genomic context (GRCh38, chr5:112,843,003, plus strand): 5'-CAACCTTAAGAAGAAAATTGGAGGAATCTGCTTCATTTGAATCTCTTTCTCCATCATCTA[G>T]ACCAGCTTCTCCCACTAGGTCCCAGGCACAAACTCCAGTTTTAAGTCCTTCCCTTCCTGA-3'
Protein context (NP_000029.2, residues 2460-2480): ASFESLSPSS[Arg2470Ile]PASPTRSQAQ

ClinVar aggregate classification (germline): Uncertain significance (1 of 4 stars; one submission).

Conditions:
Hereditary cancer-predisposing syndrome. Also called: Neoplastic Syndromes, Hereditary; Tumor predisposition; Hereditary Cancer Syndrome; Hereditary neoplastic syndrome. Identifiers: Orphanet 140162, MedGen C0027672, MeSH D009386, MONDO:0015356.

Submission:

Ambry Genetics
Classification: Uncertain significance for Hereditary cancer-predisposing syndrome. Last evaluated: 2022-01-19. Review status: criteria provided, single submitter. Criteria: Ambry Variant Classification Scheme 2023. Collection method: clinical testing. Allele origin: germline.
Comment: The p.R2470I variant (also known as c.7409G>T), located in coding exon 15 of the APC gene, results from a G to T substitution at nucleotide position 7409. The arginine at codon 2470 is replaced by isoleucine, an amino acid with similar properties. This amino acid position is conserved. In addition, in silico predictors for this gene do not accurately predict pathogenicity. Since supporting evidence is limited at this time, the clinical significance of this alteration remains unclear.